The following is an entry in ClinVar:

ClinVar aggregate classification (germline): Uncertain significance (1 of 4 stars; one submission).

Conditions:
Inborn genetic diseases. Identifiers: MedGen C0950123, MeSH D030342.

gnomAD v4.1: 1 of 1,614,068 alleles (0.000062%); no homozygotes.

Submission:

Ambry Genetics
Classification: Uncertain significance for Inborn genetic diseases. Last evaluated: 2022-04-01. Review status: criteria provided, single submitter. Criteria: Ambry Variant Classification Scheme 2023. Collection method: clinical testing. Allele origin: germline.
Comment: The p.P315L variant (also known as c.944C>T), located in coding exon 4 of the ATR gene, results from a C to T substitution at nucleotide position 944. The proline at codon 315 is replaced by leucine, an amino acid with similar properties. This amino acid position is conserved. In addition, the in silico prediction for this alteration is inconclusive. Since supporting evidence is limited at this time, the clinical significance of this alteration remains unclear.

NM_001184.4(ATR):c.944C>T (p.Pro315Leu)

Gene: ATR (ATR checkpoint kinase; minus strand). Cytogenetic location: 3q23.
Variant type: single nucleotide variant.
Coding change: c.944C>T on transcript NM_001184.4 (MANE Select); coding-DNA position 944, C replaced by T.
Protein change: p.Pro315Leu; replaces proline 315 with leucine.
Molecular consequence: missense variant.
Genome position (GRCh38, 1-based): chr3:142,562,458, G>A on the plus strand (C>T on the coding strand, the complement: ATR is on the minus strand). VCF-style: chr3-142562458-G-A. GRCh37 (hg19) VCF-style: chr3-142281300-G-A.
Other names: c.944C>T, p.Pro315Leu (NM_001354579.2); short protein forms P315L.
Identifiers: ClinVar variation 1766990 (VCV001766990.2), dbSNP rs2108487319, ClinGen allele CA354824486.